The following is an entry in ClinVar:

NM_024675.4(PALB2):c.1804C>T (p.Gln602Ter)

Gene: PALB2 (partner and localizer of BRCA2; minus strand). Cytogenetic location: 16p12.2.
Variant type: single nucleotide variant.
Coding change: c.1804C>T on transcript NM_024675.4 (MANE Select); coding-DNA position 1804, C replaced by T.
Protein change: p.Gln602Ter; replaces glutamine 602 with a stop codon.
Molecular consequence: nonsense.
Genome position (GRCh38, 1-based): chr16:23,630,350, G>A on the plus strand (C>T on the coding strand, the complement: PALB2 is on the minus strand). VCF-style: chr16-23630350-G-A. GRCh37 (hg19) VCF-style: chr16-23641671-G-A.
Other names: short protein forms Q602*.
Identifiers: ClinVar variation 1456181 (VCV001456181.12), dbSNP rs876660475, ClinGen allele CA395128029.

ClinVar aggregate classification (germline): Pathogenic/Likely pathogenic. Review status: criteria provided, multiple submitters, no conflicts (2 of 4 stars). 4 submissions from 4 submitters: Pathogenic (3); Likely pathogenic (1). Last evaluated 2025-01-13.

Conditions:
Hereditary cancer-predisposing syndrome. Also called: Neoplastic Syndromes, Hereditary; Hereditary Cancer Syndrome; Hereditary neoplastic syndrome; Tumor predisposition. Identifiers: Orphanet 140162, MedGen C0027672, MeSH D009386, MONDO:0015356.
Familial cancer of breast. Also called: BREAST CANCER, FAMILIAL; hereditary breast carcinoma; Hereditary breast cancer. Identifiers: Orphanet 227535, MedGen C0346153, MONDO:0016419, OMIM 114480. Disease mechanism: loss of function.

Submissions (4):

Labcorp Genetics (formerly Invitae), Labcorp
Classification: Pathogenic for Familial cancer of breast. Last evaluated: 2025-01-13. Review status: criteria provided, single submitter. Criteria: Invitae Variant Classification Sherloc (09022015). Collection method: clinical testing. Allele origin: germline.
Comment: This sequence change creates a premature translational stop signal (p.Gln602*) in the PALB2 gene. It is expected to result in an absent or disrupted protein product. Loss-of-function variants in PALB2 are known to be pathogenic (PMID: 17200668, 17200671, 17200672, 24136930, 25099575). This variant is not present in population databases (gnomAD no frequency). This variant has not been reported in the literature in individuals affected with PALB2-related conditions. ClinVar contains an entry for this variant (Variation ID: 1456181). Algorithms developed to predict the effect of sequence changes on RNA splicing suggest that this variant may create or strengthen a splice site. For these reasons, this variant has been classified as Pathogenic.

Ambry Genetics
Classification: Pathogenic for Hereditary cancer-predisposing syndrome. Last evaluated: 2024-06-03. Review status: criteria provided, single submitter. Criteria: Ambry Variant Classification Scheme 2023. Collection method: clinical testing. Allele origin: germline.
Comment: The p.Q602* pathogenic mutation (also known as c.1804C>T), located in coding exon 5 of the PALB2 gene, results from a C to T substitution at nucleotide position 1804. This changes the amino acid from a glutamine to a stop codon within coding exon 5. This variant is considered to be rare based on population cohorts in the Genome Aggregation Database (gnomAD). This alteration is expected to result in loss of function by premature protein truncation or nonsense-mediated mRNA decay. As such, this alteration is interpreted as a disease-causing mutation.

Myriad Genetics, Inc.
Classification: Pathogenic for Familial cancer of breast. Last evaluated: 2023-09-11. Review status: criteria provided, single submitter. Criteria: Myriad Autosomal Dominant, Autosomal Recessive and X-Linked Classification Criteria (2023). Collection method: clinical testing. Allele origin: unknown.
Comment: This variant is considered pathogenic. This variant creates a termination codon and is predicted to result in premature protein truncation.

Baylor Genetics
Classification: Likely pathogenic for Familial cancer of breast. Last evaluated: 2023-02-23. Review status: criteria provided, single submitter. Criteria: ACMG Guidelines, 2015. Collection method: clinical testing. Allele origin: unknown.

Literature cited by the submitters: PubMed 17200668 (cited by Labcorp Genetics (formerly Invitae), Labcorp); PubMed 17200671 (cited by Labcorp Genetics (formerly Invitae), Labcorp); PubMed 17200672 (cited by Labcorp Genetics (formerly Invitae), Labcorp); PubMed 24136930 (cited by Labcorp Genetics (formerly Invitae), Labcorp); PubMed 25099575 (cited by Labcorp Genetics (formerly Invitae), Labcorp).